The following is an entry in ClinVar:

ClinVar aggregate classification (germline): Pathogenic (3 of 4 stars; one submission).

Conditions:
Glanzmann thrombasthenia. Also called: BLEEDING DISORDER, PLATELET-TYPE, 2; THROMBASTHENIA OF GLANZMANN AND NAEGELI; Thrombasthenia; PLATELET GLYCOPROTEIN IIb-IIIa DEFICIENCY; Glanzmann's thrombasthenia. Identifiers: Orphanet 849, MedGen C0040015, MONDO:0100326.

Submission:

ClinGen Platelet Disorders Variant Curation Expert Panel, ClinGen
Classification: Pathogenic for Glanzmann thrombasthenia. Last evaluated: 2023-08-15. Review status: reviewed by expert panel. Criteria: ClinGen Platelet ACMG Specifications v2-1. Collection method: curation. Allele origin: germline. Inheritance: Autosomal recessive inheritance.
Comment: The NM_000419.5(ITGA2B):c.1947-2A>G splice variant is predicted to result in skipping of exon 20 causing a shift in the reading frame and a premature stop codon in exon 21 leading to nonsense mediated decay in a disease that is loss of function (PVS1). The variant is absent from gnomAD (PM2_supporting). At least one patient, presumed homozygous, with this variant displayed mucocutaneous bleeding and impaired aggregation with all agonists except ristocetin, which is highly specific for Glanzmann thrombasthenia, in addition to αIIbβ3 surface expression of 9-11% compared to WT (PMID:9663713, PP4_moderate). In summary, this variant meets the criteria to be classified as Pathogenic for autosomal recessive Glanzmann Thrombasthenia based on the ACMG/AMP criteria applied, as specified by the ClinGen PD VCEP: PM2_Supporting, PP4_moderate, PVS1 (PD VCEP specifications version 2.1).

NM_000419.5(ITGA2B):c.1947-2A>G

Gene: ITGA2B (integrin subunit alpha 2b; minus strand). Cytogenetic location: 17q21.31.
Variant type: single nucleotide variant.
Coding change: c.1947-2A>G on transcript NM_000419.5 (MANE Select); the canonical splice acceptor site of the intron before coding-DNA position 1947, A replaced by G.
Molecular consequence: splice acceptor variant.
Genome position (GRCh38, 1-based): chr17:44,378,511, T>C on the plus strand (A>G on the coding strand, the complement: ITGA2B is on the minus strand). VCF-style: chr17-44378511-T-C. GRCh37 (hg19) VCF-style: chr17-42455879-T-C.
Other names: NM_000419.5:c.1947-2A>G.
Identifiers: ClinVar variation 2581087 (VCV002581087.1), dbSNP rs2510077579, ClinGen allele CA399801096.